The following is an entry in ClinVar:

ClinVar aggregate classification (germline): Uncertain significance (1 of 4 stars; one submission).

Submission:

GeneDx
Classification: Uncertain significance. Last evaluated: 2022-08-18. Review status: criteria provided, single submitter. Criteria: GeneDx Variant Classification Process June 2021. Collection method: clinical testing. Allele origin: germline. Affected: yes.
Comment: Not observed at significant frequency in large population cohorts (gnomAD); In silico analysis supports that this missense variant does not alter protein structure/function; Has not been previously published as pathogenic or benign to our knowledge

NM_001136472.2(LITAF):c.352T>C (p.Ser118Pro)

Gene: LITAF (lipopolysaccharide induced TNF factor; minus strand). Cytogenetic location: 16p13.13.
Variant type: single nucleotide variant.
Coding change: c.352T>C on transcript NM_001136472.2 (MANE Select); coding-DNA position 352, T replaced by C.
Protein change: p.Ser118Pro; replaces serine 118 with proline.
Molecular consequence: missense variant. On other transcripts: non-coding transcript variant (1).
Genome position (GRCh38, 1-based): chr16:11,553,558, A>G on the plus strand (T>C on the coding strand, the complement: LITAF is on the minus strand). VCF-style: chr16-11553558-A-G. GRCh37 (hg19) VCF-style: chr16-11647414-A-G.
Other names: c.352T>C, p.Ser118Pro (NM_001136473.1, NM_004862.4); short protein forms S118P.
Identifiers: ClinVar variation 424023 (VCV000424023.4), dbSNP rs1064796753, ClinGen allele CA16620065.
Genomic context (GRCh38, chr16:11,553,558, plus strand): 5'-AGGATGGCTTGGGGCCAAGTGGGAGGCAGACTCACCCCAGCAGGCACAGGCTCCCGCAGG[A>G]CAGCCAGGTCAGAGCACCGGCGTTATAGGACAGCTGACTCACGATCATCTTGTTGCAGGA-3'
Protein context (NP_001129944.1, residues 108-128): SYNAGALTWL[Ser118Pro]CGSLCLLGCI